The following is an entry in ClinVar:

NM_002226.5(JAG2):c.645C>T (p.Asn215=)

Gene: JAG2 (jagged canonical Notch ligand 2; minus strand). Cytogenetic location: 14q32.33.
Variant type: single nucleotide variant.
Coding change: c.645C>T on transcript NM_002226.5 (MANE Select); coding-DNA position 645, C replaced by T.
Protein change: p.Asn215=; no amino-acid change (asparagine 215 retained).
Molecular consequence: synonymous variant.
Genome position (GRCh38, 1-based): chr14:105,155,820, G>A on the plus strand (C>T on the coding strand, the complement: JAG2 is on the minus strand). VCF-style: chr14-105155820-G-A. GRCh37 (hg19) VCF-style: chr14-105622157-G-A.
Other names: p.Asn215=; c.645C>T, p.Asn215= (NM_145159.3).
Identifiers: ClinVar variation 718199 (VCV000718199.7), dbSNP rs61750261, ClinGen allele CA7386387.

ClinVar aggregate classification (germline): Benign. Review status: criteria provided, multiple submitters, no conflicts (2 of 4 stars). 4 submissions from 4 submitters: Benign (3). 1 of the submissions does not count toward it. Last evaluated 2022-03-24.

Conditions:
JAG2-related disorder. Also called: JAG2-related condition.

Allele frequency attached by ClinVar (database versions not stated): gnomAD exomes 0.00219 and 0.00649; 1000 Genomes Project 30x 0.03139; gnomAD 0.02623 and 0.02446; TOPMed 0.02778; 1000 Genomes Project 0.02935; ExAC 0.00791; ESP Exome Variant Server 0.02788.
gnomAD v4.1: 7,061 of 1,612,818 alleles (0.44%); highest among the groups gnomAD compares: African/African-American, 8.2%; 280 homozygotes.

Submissions (4):

Mayo Clinic Laboratories, Mayo Clinic
Classification: Benign. Last evaluated: 2022-03-24. Review status: criteria provided, single submitter. Criteria: ACMG Guidelines, 2015. Collection method: clinical testing. Allele origin: germline. Observed: 9 variant alleles.

Labcorp Genetics (formerly Invitae), Labcorp
Classification: Benign. Last evaluated: 2018-12-26. Review status: criteria provided, single submitter. Criteria: Invitae Variant Classification Sherloc (09022015). Collection method: clinical testing. Allele origin: germline.

Breakthrough Genomics
Classification: Benign. Review status: criteria provided, single submitter. Criteria: ACMG Guidelines, 2015. Collection method: not provided. Allele origin: germline. Inheritance: Autosomal recessive inheritance. Affected: yes.

PreventionGenetics, part of Exact Sciences
Classification: Benign for JAG2-related condition. Last evaluated: 2020-02-19. Review status: no assertion criteria provided. Collection method: clinical testing. Allele origin: germline. Not counted in ClinVar's aggregate classification.
Comment: This variant is classified as benign based on ACMG/AMP sequence variant interpretation guidelines (Richards et al. 2015 PMID: 25741868, with internal and published modifications).